The following is an entry in ClinVar:

ClinVar aggregate classification (germline): Pathogenic/Likely pathogenic. Review status: criteria provided, multiple submitters, no conflicts (2 of 4 stars). 2 submissions from 2 submitters: Pathogenic (1); Likely pathogenic (1). Last evaluated 2024-05-15.

Conditions:
Aicardi-Goutieres syndrome 5. Identifiers: Orphanet 51, MedGen C2749659, MONDO:0013059, OMIM 612952.
Chilblain lupus 2 (CHBL2). Identifiers: MedGen C3280721, MONDO:0013739, OMIM 614415.

Submissions (2):

Fulgent Genetics
Classification: Likely pathogenic for Aicardi-Goutieres syndrome 5; Chilblain lupus 2. Last evaluated: 2024-05-15. Review status: criteria provided, single submitter. Criteria: ACMG Guidelines, 2015. Collection method: clinical testing. Allele origin: germline.

Labcorp Genetics (formerly Invitae), Labcorp
Classification: Pathogenic for Aicardi-Goutieres syndrome 5. Last evaluated: 2023-04-18. Review status: criteria provided, single submitter. Criteria: Invitae Variant Classification Sherloc (09022015). Collection method: clinical testing. Allele origin: germline.
Comment: This sequence change creates a premature translational stop signal (p.Phe316Ilefs*29) in the SAMHD1 gene. It is expected to result in an absent or disrupted protein product. Loss-of-function variants in SAMHD1 are known to be pathogenic (PMID: 19525956, 22461318). This variant is not present in population databases (gnomAD no frequency). This variant has not been reported in the literature in individuals affected with SAMHD1-related conditions. For these reasons, this variant has been classified as Pathogenic.

Literature cited by the submitters: PubMed 19525956 (cited by Labcorp Genetics (formerly Invitae), Labcorp); PubMed 22461318 (cited by Labcorp Genetics (formerly Invitae), Labcorp).

NM_015474.4(SAMHD1):c.944_945dup (p.Phe316fs)

Gene: SAMHD1 (SAM and HD domain containing deoxynucleoside triphosphate triphosphohydrolase 1; minus strand). Cytogenetic location: 20q11.23.
Variant type: Duplication.
Coding change: c.944_945dup on transcript NM_015474.4 (MANE Select); coding-DNA positions 944 to 945, 2 bases duplicated (AT; older notation c.944_945dupAT).
Protein change: p.Phe316fs; shifts the reading frame from phenylalanine 316.
Molecular consequence: frameshift variant.
Genome position (GRCh38, 1-based): chr20:36,916,957-36,916,958, AT duplicated on the plus strand (AT on the coding strand, the reverse complement: SAMHD1 is on the minus strand); duplicating any 2 consecutive bases within chr20:36,916,957-36,916,959 gives the same sequence; the c. name uses the placement nearest the transcript's 3' end. VCF-style (leftmost placement, unchanged base first): chr20-36916956-A-AAT. GRCh37 (hg19) VCF-style: chr20-35545359-A-AAT.
Other names: c.944_945dup, p.Phe316fs (NM_001363729.2, NM_001363733.2); short protein forms F316fs.
Identifiers: ClinVar variation 2857253 (VCV002857253.4), dbSNP rs2515244609, ClinGen allele CA2739277157.